The following is an entry in ClinVar:

ClinVar aggregate classification (germline): Uncertain significance (1 of 4 stars; one submission).

Conditions:
Dilated cardiomyopathy 1C (CMD1C). Also called: Cardiomyopathy, dilated, 1C, with or without LVNC; CARDIOMYOPATHY, DILATED, 1C, WITH OR WITHOUT LEFT VENTRICULAR NONCOMPACTION. Identifiers: Orphanet 154, Orphanet 54260, MedGen C1832244, MONDO:0011094, OMIM 601493.

Allele frequency attached by ClinVar (database versions not stated): gnomAD exomes below 0.00001.
gnomAD v4.1: 2 of 1,613,914 alleles (0.00012%); highest among the groups gnomAD compares: Non-Finnish European, 0.00017%; no homozygotes.

Submission:

Centre for Mendelian Genomics, University Medical Centre Ljubljana
Classification: Uncertain significance for Dilated cardiomyopathy 1C. Last evaluated: 2016-01-01. Review status: criteria provided, single submitter. Criteria: ACMG Guidelines, 2015. Collection method: clinical testing. Allele origin: unknown. Affected: yes.
Comment: This variant was classified as: Uncertain significance. The following ACMG criteria were applied in classifying this variant: PM2,PP3,PP4.

NM_007078.3(LDB3):c.1678G>A (p.Gly560Ser)

Gene: LDB3 (LIM domain binding 3; plus strand). Cytogenetic location: 10q23.2.
Variant type: single nucleotide variant.
Coding change: c.1678G>A on transcript NM_007078.3 (MANE Select); coding-DNA position 1678, G replaced by A.
Protein change: p.Gly560Ser; replaces glycine 560 with serine.
Molecular consequence: missense variant.
Genome position (GRCh38, 1-based): chr10:86,717,965, G>A. VCF-style: chr10-86717965-G-A. GRCh37 (hg19) VCF-style: chr10-88477722-G-A.
Other names: c.1348G>A, p.Gly450Ser (NM_001080114.2); c.1693G>A, p.Gly565Ser (NM_001171610.2); c.1489G>A, p.Gly497Ser (NM_001368064.1, NM_001368065.1); c.1537G>A, p.Gly513Ser (NM_001368066.1); short protein forms G450S, G497S, G565S, G513S, G560S.
Identifiers: ClinVar variation 932025 (VCV000932025.3), dbSNP rs1846936455, ClinGen allele CA377451798.